The following is an entry in ClinVar:

NM_020975.6(RET):c.2137-744A>G

Gene: RET (ret proto-oncogene; plus strand). Cytogenetic location: 10q11.21.
Variant type: single nucleotide variant.
Coding change: c.2137-744A>G on transcript NM_020975.6 (MANE Select); 744 bases into the intron before coding-DNA position 2137, A replaced by G.
Molecular consequence: intron variant.
Genome position (GRCh38, 1-based): chr10:43,115,840, A>G. VCF-style: chr10-43115840-A-G. GRCh37 (hg19) VCF-style: chr10-43611288-A-G.
Other names: c.2137-744A>G (NM_020630.7, NM_001406743.1, NM_001406744.1 and 2 more transcripts); c.2002-744A>G (NM_001406765.1, NM_001406763.1); c.1741-744A>G (NM_001406772.1, NM_001406769.1); c.1699-744A>G (NM_001406773.1, NM_001406771.1); c.1240-744A>G (NM_001406782.1, NM_001406780.1, NM_001406779.1 and 1 more transcripts); c.1105-744A>G (NM_001406787.1); c.1120-744A>G (NM_001406785.1); c.2008-744A>G (NM_001406764.1, NM_001406762.1, NM_001406761.1); and 10 more.
Identifiers: ClinVar variation 1694561 (VCV001694561.31), dbSNP rs564936051, ClinGen allele CA206263394.

ClinVar aggregate classification (germline): Likely benign (1 of 4 stars; one submission).

Allele frequency attached by ClinVar (database versions not stated): 1000 Genomes Project 0.00260; 1000 Genomes Project 30x 0.00297; gnomAD 0.00587 and 0.00606; TOPMed 0.00615.
gnomAD v4.1: 893 of 152,314 alleles (0.59%); highest among the groups gnomAD compares: Non-Finnish European, 0.93%; 5 homozygotes.

Submission:

CeGaT Center for Human Genetics Tuebingen
Classification: Likely benign. Last evaluated: 2026-10-01. Review status: criteria provided, single submitter. Criteria: CeGaT Center For Human Genetics Tuebingen Variant Classification Criteria Version 2. Collection method: clinical testing. Allele origin: germline. Affected: yes. Observed: 70 variant alleles.
Comment: RET: BS2